The following is an entry in ClinVar:

ClinVar aggregate classification (germline): Benign (1 of 4 stars; one submission).

Conditions:
Fleck corneal dystrophy (CFD). Also called: CORNEAL DYSTROPHY, FRANCOIS-NEETENS SPECKLED OR FLECKED. Identifiers: Orphanet 98970, MedGen C1562113, MONDO:0007376, OMIM 121850.

Allele frequency attached by ClinVar (database versions not stated): TOPMed 0.00006; gnomAD exomes 0.00007 and 0.00015; gnomAD 0.00009; ExAC 0.00011; 1000 Genomes Project 0.00020; ESP Exome Variant Server 0.00023; 1000 Genomes Project 30x 0.00031.
gnomAD v4.1: 123 of 1,612,802 alleles (0.0076%); highest among the groups gnomAD compares: South Asian, 0.011%; 1 homozygote.

Submission:

Illumina Laboratory Services, Illumina
Classification: Benign for Fleck corneal dystrophy. Last evaluated: 2018-01-13. Review status: criteria provided, single submitter. Criteria: ICSL Variant Classification Criteria 13 December 2019. Collection method: clinical testing. Allele origin: germline.
Comment: This variant was observed in the ICSL laboratory as part of a predisposition screen in an ostensibly healthy population. It had not been previously curated by ICSL or reported in the Human Gene Mutation Database (HGMD: prior to June 1st, 2018), and was therefore a candidate for classification through an automated scoring system. Utilizing variant allele frequency, disease prevalence and penetrance estimates, and inheritance mode, an automated score was calculated to assess if this variant is too frequent to cause the disease. Based on the score and internal cut-off values, a variant classified as benign is not then subjected to further curation. The score for this variant resulted in a classification of benign for this disease.

NM_015040.4(PIKFYVE):c.4585A>C (p.Arg1529=)

Gene: PIKFYVE (phosphoinositide kinase, FYVE-type zinc finger containing; plus strand). Cytogenetic location: 2q34.
Variant type: single nucleotide variant.
Coding change: c.4585A>C on transcript NM_015040.4 (MANE Select); coding-DNA position 4585, A replaced by C.
Protein change: p.Arg1529=; no amino-acid change (arginine 1529 retained).
Molecular consequence: synonymous variant.
Genome position (GRCh38, 1-based): chr2:208,336,902, A>C. VCF-style: chr2-208336902-A-C. GRCh37 (hg19) VCF-style: chr2-209201626-A-C.
Identifiers: ClinVar variation 896894 (VCV000896894.4), dbSNP rs199542979, ClinGen allele CA2080352.